The following is an entry in ClinVar:

NM_004006.3(DMD):c.10921+2T>C

Gene: DMD (dystrophin; minus strand). Cytogenetic location: Xp21.2.
Variant type: single nucleotide variant.
Coding change: c.10921+2T>C on transcript NM_004006.3 (MANE Select); the canonical splice donor site of the intron after coding-DNA position 10921, T replaced by C.
Molecular consequence: splice donor variant.
Genome position (GRCh38, 1-based): chrX:31,146,289, A>G on the plus strand (T>C on the coding strand, the complement: DMD is on the minus strand). VCF-style: chrX-31146289-A-G. GRCh37 (hg19) VCF-style: chrX-31164406-A-G.
Other names: c.10897+2T>C (NM_000109.4); c.6898+2T>C (NM_004011.4); c.6889+2T>C (NM_004012.4); c.3211+2T>C (NM_004023.3, NM_004020.4); c.3502+2T>C (NM_004022.3); c.3541+2T>C (NM_004021.3, NM_004013.3); c.2734+2T>C (NM_004014.3); c.1678+2T>C (NM_004018.3, NM_004017.3); and 3 more.
Identifiers: ClinVar variation 1497480 (VCV001497480.9), dbSNP rs2147921052, ClinGen allele CA412648426.

ClinVar aggregate classification (germline): Likely pathogenic. Review status: criteria provided, multiple submitters, no conflicts (2 of 4 stars). 2 submissions from 2 submitters: Likely pathogenic (2). Last evaluated 2023-11-08.

Conditions:
Becker muscular dystrophy (BMD). Also called: Becker Muscular Dystrophy (BMD); MUSCULAR DYSTROPHY, PSEUDOHYPERTROPHIC PROGRESSIVE, BECKER TYPE. Identifiers: Orphanet 98895, MedGen C0917713, MONDO:0010311, OMIM 300376.
Duchenne muscular dystrophy (DMD). Also called: Duchenne Muscular Dystrophy (DMD); MUSCULAR DYSTROPHY, PSEUDOHYPERTROPHIC PROGRESSIVE, DUCHENNE TYPE. Identifiers: Orphanet 98896, MedGen C0013264, MONDO:0010679, OMIM 310200.

Submissions (2):

Baylor Genetics
Classification: Likely pathogenic for Becker muscular dystrophy. Last evaluated: 2023-11-08. Review status: criteria provided, single submitter. Criteria: ACMG Guidelines, 2015. Collection method: clinical testing. Allele origin: unknown.

Labcorp Genetics (formerly Invitae), Labcorp
Classification: Likely pathogenic for Duchenne muscular dystrophy. Last evaluated: 2020-11-03. Review status: criteria provided, single submitter. Criteria: Invitae Variant Classification Sherloc (09022015). Collection method: clinical testing. Allele origin: germline.
Comment: This variant has not been reported in the literature in individuals with DMD-related conditions. This variant is not present in population databases (ExAC no frequency). This sequence change affects a donor splice site in intron 76 of the DMD gene. It is expected to disrupt RNA splicing. Variants that disrupt the donor or acceptor splice site typically lead to a loss of protein function (PMID: 16199547), and loss-of-function variants in DMD are known to be pathogenic (PMID: 16770791, 25007885). Algorithms developed to predict the effect of sequence changes on RNA splicing suggest that this variant may disrupt the consensus splice site, but this prediction has not been confirmed by published transcriptional studies. In summary, the currently available evidence indicates that the variant is pathogenic, but additional data are needed to prove that conclusively. Therefore, this variant has been classified as Likely Pathogenic.

Literature cited by the submitters: PubMed 16199547 (cited by Labcorp Genetics (formerly Invitae), Labcorp); PubMed 16770791 (cited by Labcorp Genetics (formerly Invitae), Labcorp); PubMed 25007885 (cited by Labcorp Genetics (formerly Invitae), Labcorp).